The following is an entry in ClinVar:

ClinVar aggregate classification (germline): Likely benign. Review status: criteria provided, multiple submitters, no conflicts (2 of 4 stars). 6 submissions from 6 submitters: Likely benign (6). Last evaluated 2025-09-19.

Conditions:
Marfan syndrome (MFS). Also called: Marfan syndrome type 1; Marfan's syndrome; FBN1-Related Marfan Syndrome; MARFAN SYNDROME, TYPE I; Marfan syndrome, classic. Identifiers: Orphanet 284963, Orphanet 558, MedGen C0024796, MONDO:0007947, OMIM 154700.
Familial thoracic aortic aneurysm and aortic dissection (TAAD). Also called: Thoracic aortic aneurysms and dissections. Identifiers: Orphanet 91387, MedGen C4707243, MONDO:0019625.

Allele frequency attached by ClinVar (database versions not stated): gnomAD exomes 0.00001; ExAC 0.00002; TOPMed below 0.00001; gnomAD 0.00001.
gnomAD v4.1: 10 of 1,614,062 alleles (0.00062%); highest among the groups gnomAD compares: Non-Finnish European, 0.00085%; no homozygotes.

Submissions (6):

Women's Health and Genetics/Laboratory Corporation of America, LabCorp
Classification: Likely benign. Last evaluated: 2025-09-19. Review status: criteria provided, single submitter. Criteria: LabCorp Variant Classification Summary - May 2015. Collection method: clinical testing. Allele origin: germline.

Ambry Genetics
Classification: Likely benign for Familial thoracic aortic aneurysm and aortic dissection. Last evaluated: 2025-02-01. Review status: criteria provided, single submitter. Criteria: Ambry Variant Classification Scheme 2023. Collection method: clinical testing. Allele origin: germline.

Labcorp Genetics (formerly Invitae), Labcorp
Classification: Likely benign for Marfan syndrome; Familial thoracic aortic aneurysm and aortic dissection. Last evaluated: 2025-01-01. Review status: criteria provided, single submitter. Criteria: Invitae Variant Classification Sherloc (09022015). Collection method: clinical testing. Allele origin: germline.

All of Us Research Program, National Institutes of Health
Classification: Likely benign for Marfan syndrome. Last evaluated: 2024-01-11. Review status: criteria provided, single submitter. Criteria: ACMG Guidelines, 2015. Collection method: clinical testing. Allele origin: germline. Inheritance: Autosomal dominant inheritance. Observed: 4 variant alleles, 4 heterozygotes.
Comment: This study involves interpretation of variants in research participants for the purpose of population health screening. Participant phenotype was not available at the time of variant classification. Additional details can be found in publication PMID: 35346344, PMCID: PMC8962531

CeGaT Center for Human Genetics Tuebingen
Classification: Likely benign. Last evaluated: 2022-03-01. Review status: criteria provided, single submitter. Criteria: CeGaT Center For Human Genetics Tuebingen Variant Classification Criteria Version 2. Collection method: clinical testing. Allele origin: germline. Affected: yes. Observed: 1 variant allele.
Comment: FBN1: BP4, BP7

Color Diagnostics, LLC DBA Color Health
Classification: Likely benign for Familial thoracic aortic aneurysm and aortic dissection. Last evaluated: 2019-05-16. Review status: criteria provided, single submitter. Criteria: ACMG Guidelines, 2015. Collection method: clinical testing. Allele origin: germline.

NM_000138.5(FBN1):c.969A>G (p.Pro323=)

Gene: FBN1 (fibrillin 1; minus strand). Cytogenetic location: 15q21.1.
Variant type: single nucleotide variant.
Coding change: c.969A>G on transcript NM_000138.5 (MANE Select); coding-DNA position 969, A replaced by G.
Protein change: p.Pro323=; no amino-acid change (proline 323 retained).
Molecular consequence: synonymous variant.
Genome position (GRCh38, 1-based): chr15:48,526,149, T>C on the plus strand (A>G on the coding strand, the complement: FBN1 is on the minus strand). VCF-style: chr15-48526149-T-C. GRCh37 (hg19) VCF-style: chr15-48818346-T-C.
Identifiers: ClinVar variation 927000 (VCV000927000.44), dbSNP rs759743242, ClinGen allele CA060425.